The following is an entry in ClinVar:

NM_001447.3(FAT2):c.10701C>A (p.Ser3567Arg)

Genes: FAT2 (FAT atypical cadherin 2; minus strand), SLC36A1 (solute carrier family 36 member 1; plus strand). Cytogenetic location: 5q33.1.
Variant type: single nucleotide variant.
Coding change: c.10701C>A on transcript NM_001447.3 (MANE Select); coding-DNA position 10701, C replaced by A.
Protein change: p.Ser3567Arg; replaces serine 3567 with arginine.
Molecular consequence: missense variant.
Genome position (GRCh38, 1-based): chr5:151,521,892, G>T on the plus strand (C>A on the coding strand, the complement: FAT2 is on the minus strand). VCF-style: chr5-151521892-G-T. GRCh37 (hg19) VCF-style: chr5-150901453-G-T.
Other names: short protein forms S3567R.
Identifiers: ClinVar variation 3617779 (VCV003617779.2).

ClinVar aggregate classification (germline): Uncertain significance (1 of 4 stars; one submission).

gnomAD v4.1: 1 of 1,613,980 alleles (0.000062%); highest among the groups gnomAD compares: African/African-American, 0.0013%; no homozygotes.

Submission:

Labcorp Genetics (formerly Invitae), Labcorp
Classification: Uncertain significance. Last evaluated: 2024-03-09. Review status: criteria provided, single submitter. Criteria: Invitae Variant Classification Sherloc (09022015). Collection method: clinical testing. Allele origin: germline.
Comment: This sequence change replaces serine, which is neutral and polar, with arginine, which is basic and polar, at codon 3567 of the FAT2 protein (p.Ser3567Arg). This variant is present in population databases (no rsID available, gnomAD 0.03%). This variant has not been reported in the literature in individuals affected with FAT2-related conditions. Algorithms developed to predict the effect of missense changes on protein structure and function output the following: SIFT: "Not Available"; PolyPhen-2: "Benign"; Align-GVGD: "Not Available". The arginine amino acid residue is found in multiple mammalian species, which suggests that this missense change does not adversely affect protein function. In summary, the available evidence is currently insufficient to determine the role of this variant in disease. Therefore, it has been classified as a Variant of Uncertain Significance.